The following is an entry in ClinVar:

NM_001166693.3(AFF1):c.1770G>A (p.Arg590=)

Gene: AFF1 (ALF transcription elongation factor 1; plus strand). Cytogenetic location: 4q22.1.
Variant type: single nucleotide variant.
Coding change: c.1770G>A on transcript NM_001166693.3 (MANE Select); coding-DNA position 1770, G replaced by A.
Protein change: p.Arg590=; no amino-acid change (arginine 590 retained).
Molecular consequence: synonymous variant.
Genome position (GRCh38, 1-based): chr4:87,114,603, G>A. VCF-style: chr4-87114603-G-A. GRCh37 (hg19) VCF-style: chr4-88035755-G-A.
Other names: c.1749G>A, p.Arg583= (NM_001313959.2, NM_005935.4); c.663G>A, p.Arg221= (NM_001313960.2).
Identifiers: ClinVar variation 2654889 (VCV002654889.24), dbSNP rs116537098, ClinGen allele CA2998422.

ClinVar aggregate classification (germline): Likely benign (1 of 4 stars; one submission).

Allele frequency attached by ClinVar (database versions not stated): ESP Exome Variant Server 0.00175; 1000 Genomes Project 30x 0.00187; 1000 Genomes Project 0.00200.
gnomAD v4.1: 4,828 of 1,608,996 alleles (0.3%); highest among the groups gnomAD compares: South Asian, 0.43%; 16 homozygotes.

Submission:

CeGaT Center for Human Genetics Tuebingen
Classification: Likely benign. Last evaluated: 2022-06-01. Review status: criteria provided, single submitter. Criteria: CeGaT Center For Human Genetics Tuebingen Variant Classification Criteria Version 2. Collection method: clinical testing. Allele origin: germline. Affected: yes. Observed: 1 variant allele.
Comment: AFF1: BP4, BP7